The following is an entry in ClinVar:

ClinVar aggregate classification (germline): Uncertain significance (1 of 4 stars; one submission).

Submission:

GeneDx
Classification: Uncertain significance. Last evaluated: 2024-04-05. Review status: criteria provided, single submitter. Criteria: GeneDx Variant Classification Process June 2021. Collection method: clinical testing. Allele origin: germline. Affected: yes.
Comment: Not observed at significant frequency in large population cohorts (gnomAD); In silico analysis supports that this missense variant has a deleterious effect on protein structure/function; Has not been previously published as pathogenic or benign to our knowledge

NM_000540.3(RYR1):c.12539T>C (p.Ile4180Thr)

Gene: RYR1 (ryanodine receptor 1; plus strand). Cytogenetic location: 19q13.2.
Variant type: single nucleotide variant.
Coding change: c.12539T>C on transcript NM_000540.3 (MANE Select); coding-DNA position 12539, T replaced by C.
Protein change: p.Ile4180Thr; replaces isoleucine 4180 with threonine.
Molecular consequence: missense variant.
Genome position (GRCh38, 1-based): chr19:38,561,369, T>C. VCF-style: chr19-38561369-T-C. GRCh37 (hg19) VCF-style: chr19-39052009-T-C.
Other names: c.12524T>C, p.Ile4175Thr (NM_001042723.2); short protein forms I4175T, I4180T.
Identifiers: ClinVar variation 3371353 (VCV003371353.1).